The following is an entry in ClinVar:

NM_000179.3(MSH6):c.2308G>C (p.Gly770Arg)

Gene: MSH6 (mutS homolog 6; plus strand). Cytogenetic location: 2p16.3.
Variant type: single nucleotide variant.
Coding change: c.2308G>C on transcript NM_000179.3 (MANE Select); coding-DNA position 2308, G replaced by C.
Protein change: p.Gly770Arg; replaces glycine 770 with arginine.
Molecular consequence: missense variant. On other transcripts: non-coding transcript variant (5), intron variant (2).
Genome position (GRCh38, 1-based): chr2:47,800,291, G>C. VCF-style: chr2-47800291-G-C. GRCh37 (hg19) VCF-style: chr2-48027430-G-C.
Other names: c.2230G>C, p.Gly744Arg (NM_001406804.1); c.2011G>C, p.Gly671Arg (NM_001406805.1, NM_001406797.1, NM_001406801.1 and 10 more transcripts); c.1783G>C, p.Gly595Arg (NM_001406806.1, NM_001406807.1, NM_001406799.1); c.2308G>C, p.Gly770Arg (NM_001406808.1, NM_001406809.1, NM_001406796.1 and 2 more transcripts); c.1402G>C, p.Gly468Arg (NM_001406811.1, NM_001406812.1, NM_001406814.1 and 6 more transcripts); c.2314G>C, p.Gly772Arg (NM_001406813.1); c.1918G>C, p.Gly640Arg (NM_001281492.2); c.2404G>C, p.Gly802Arg (NM_001406795.1, NM_001406802.1); and 4 more; short protein forms D770H, G714R, G640R, G671R, G772R, G802R, G468R, G595R.
Identifiers: ClinVar variation 4111244 (VCV004111244.2).
Genomic context (GRCh38, chr2:47,800,291, plus strand): 5'-ACAAATGGTTCTACTGAAGGAACCCTACTAGAGAGGGTTGATACTTGCCATACTCCTTTT[G>C]GTAAGCGGCTCCTAAAGCAATGGCTTTGTGCCCCACTCTGTAACCATTATGCTATTAATG-3'
Protein context (NP_000170.1, residues 760-780): ERVDTCHTPF[Gly770Arg]KRLLKQWLCA

ClinVar aggregate classification (germline): Likely pathogenic (1 of 4 stars; one submission).

Conditions:
Hereditary cancer-predisposing syndrome. Also called: Neoplastic Syndromes, Hereditary; Tumor predisposition; Hereditary neoplastic syndrome; Hereditary Cancer Syndrome. Identifiers: Orphanet 140162, MedGen C0027672, MeSH D009386, MONDO:0015356.

Submission:

Ambry Genetics
Classification: Likely pathogenic for Hereditary cancer-predisposing syndrome. Last evaluated: 2026-02-19. Review status: criteria provided, single submitter. Criteria: Ambry Variant Classification Scheme 2023. Collection method: clinical testing. Allele origin: germline.
Comment: The p.G770R variant (also known as c.2308G>C), located in coding exon 4 of the MSH6 gene, results from a G to C substitution at nucleotide position 2308. The glycine at codon 770 is replaced by arginine, an amino acid with dissimilar properties. This variant has been identified in a proband whose Lynch syndrome-associated tumor demonstrated loss of MSH6 expression by immunohistochemistry (Li S et al. J. Med. Genet. 2020 Jan;57:62-69; Ambry internal data).This amino acid position is highly conserved in available vertebrate species. In addition, this alteration is predicted to be deleterious by in silico analysis. This variant is considered to be rare based on population cohorts in the Genome Aggregation Database (gnomAD). Based on the majority of available evidence to date, this variant is likely to be pathogenic.